The following is an entry in ClinVar:

NM_004260.4(RECQL4):c.400_416del (p.Ser134fs)

Gene: RECQL4 (RecQ like helicase 4; minus strand). Cytogenetic location: 8q24.3.
Variant type: Deletion.
Coding change: c.400_416del on transcript NM_004260.4 (MANE Select); coding-DNA positions 400 to 416, 17 bases deleted (TCATCTAAGGCATCCAC).
Protein change: p.Ser134fs; shifts the reading frame from serine 134.
Molecular consequence: frameshift variant.
Genome position (GRCh38, 1-based): chr8:144,516,703-144,516,719, GTGGATGCCTTAGATGA deleted on the plus strand (TCATCTAAGGCATCCAC on the coding strand, the reverse complement: RECQL4 is on the minus strand); deleting any 17 consecutive bases within chr8:144,516,703-144,516,720 gives the same sequence; the c. name uses the placement nearest the transcript's 3' end. VCF-style (leftmost placement, unchanged base first): chr8-144516702-GGTGGATGCCTTAGATGA-G. GRCh37 (hg19) VCF-style: chr8-145742086-GGTGGATGCCTTAGATGA-G.
Other names: short protein forms S134fs.
Identifiers: ClinVar variation 1459922 (VCV001459922.6), dbSNP rs2130729321, ClinGen allele CA2573142944.

ClinVar aggregate classification (germline): Pathogenic (1 of 4 stars; one submission).

Conditions:
Baller-Gerold syndrome (BGS). Also called: CRANIOSYNOSTOSIS WITH RADIAL DEFECTS. Identifiers: Orphanet 1225, MedGen C0265308, MONDO:0009039, OMIM 218600.

Submission:

Labcorp Genetics (formerly Invitae), Labcorp
Classification: Pathogenic for Baller-Gerold syndrome. Last evaluated: 2021-02-11. Review status: criteria provided, single submitter. Criteria: Invitae Variant Classification Sherloc (09022015). Collection method: clinical testing. Allele origin: germline.
Comment: For these reasons, this variant has been classified as Pathogenic. This variant has not been reported in the literature in individuals with RECQL4-related conditions. This variant is not present in population databases (ExAC no frequency). This sequence change creates a premature translational stop signal (p.Ser134Profs*18) in the RECQL4 gene. It is expected to result in an absent or disrupted protein product. Loss-of-function variants in RECQL4 are known to be pathogenic (PMID: 12734318, 12952869).

Literature cited by the submitters: PubMed 12734318; PubMed 12952869.